The following is an entry in ClinVar:

ClinVar aggregate classification (germline): Pathogenic (1 of 4 stars; one submission).

Conditions:
Oculocutaneous albinism type 1. Also called: Albinism 1; ALBINISM I. Identifiers: Orphanet 352731, MedGen C0268494, MONDO:0018135. Disease mechanism: loss of function.

Submission:

Myriad Genetics, Inc.
Classification: Pathogenic for Oculocutaneous albinism type 1. Last evaluated: 2026-01-20. Review status: criteria provided, single submitter. Criteria: Myriad Autosomal Dominant, Autosomal Recessive and X-Linked Classification Criteria (2023). Collection method: clinical testing. Allele origin: unknown.
Comment: NM_000372.4(TYR):c.629G>A(W210*) is a nonsense variant classified as pathogenic in the context of oculocutaneous albinism, TYR-related. W210* has been observed in a case with relevant disease (PMID: 34838614). Relevant functional assessments of this variant are not available in the literature. W210* has not been observed in referenced population frequency databases. In summary, NM_000372.4(TYR):c.629G>A(W210*) is a nonsense variant in a gene where loss of function is a known mechanism of disease, is predicted to disrupt protein function, and has been observed more frequently in cases with the relevant disease than in healthy populations. Please note: this variant was assessed in the context of healthy population screening.

Literature cited by the submitters: PubMed 34838614.

NM_000372.5(TYR):c.629G>A (p.Trp210Ter)

Gene: TYR (tyrosinase; plus strand). Cytogenetic location: 11q14.3.
Variant type: single nucleotide variant.
Coding change: c.629G>A on transcript NM_000372.5 (MANE Select); coding-DNA position 629, G replaced by A.
Protein change: p.Trp210Ter; replaces tryptophan 210 with a stop codon.
Molecular consequence: nonsense.
Genome position (GRCh38, 1-based): chr11:89,178,582, G>A. VCF-style: chr11-89178582-G-A. GRCh37 (hg19) VCF-style: chr11-88911750-G-A.
Other names: short protein forms W210*.
Identifiers: ClinVar variation 5004403 (VCV005004403.1).